The following is an entry in ClinVar:

NM_001142633.3(PIK3R5):c.1905+5G>A

Gene: PIK3R5 (phosphoinositide-3-kinase regulatory subunit 5; minus strand). Cytogenetic location: 17p13.1.
Variant type: single nucleotide variant.
Coding change: c.1905+5G>A on transcript NM_001142633.3 (MANE Select); 5 bases into the intron after coding-DNA position 1905, G replaced by A.
Molecular consequence: intron variant.
Genome position (GRCh38, 1-based): chr17:8,887,091, C>T on the plus strand (G>A on the coding strand, the complement: PIK3R5 is on the minus strand). VCF-style: chr17-8887091-C-T. GRCh37 (hg19) VCF-style: chr17-8790408-C-T.
Other names: c.747+5G>A (NM_001251852.2, NM_001388397.1, NM_001251855.2 and 5 more transcripts); c.1905+5G>A (NM_001388396.1, NM_014308.4).
Identifiers: ClinVar variation 3042728 (VCV003042728.3), dbSNP rs1379060098, ClinGen allele CA624756930.

ClinVar aggregate classification (germline): Uncertain significance. Review status: criteria provided, single submitter (1 of 4 stars). 2 submissions from 2 submitters: Uncertain significance (1). 1 of the submissions does not count toward it. Last evaluated 2024-11-06.

Conditions:
PIK3R5-related disorder. Also called: PIK3R5-related condition.

Allele frequency attached by ClinVar (database versions not stated): gnomAD exomes below 0.00001; TOPMed below 0.00001.
gnomAD v4.1: 2 of 1,613,912 alleles (0.00012%); highest among the groups gnomAD compares: Admixed American, 0.0033%; no homozygotes.

Submissions (2):

Women's Health and Genetics/Laboratory Corporation of America, LabCorp
Classification: Uncertain significance. Last evaluated: 2024-11-06. Review status: criteria provided, single submitter. Criteria: LabCorp Variant Classification Summary - May 2015. Collection method: clinical testing. Allele origin: germline.
Comment: Variant summary: PIK3R5 c.1905+5G>A alters a non-conserved nucleotide located close to a canonical splice site and therefore could affect mRNA splicing, leading to a significantly altered protein sequence. Several computational tools predict a significant impact on normal splicing: Four predict the variant weakens a canonical 5' donor site. However, these predictions have yet to be confirmed by functional studies. The variant allele was found at a frequency of 8e-06 in 250312 control chromosomes. The available data on variant occurrences in the general population are insufficient to allow any conclusion about variant significance. To our knowledge, no occurrence of c.1905+5G>A in individuals affected with Ataxia With Oculomotor Apraxia Type 3 and no experimental evidence demonstrating its impact on protein function have been reported. ClinVar contains an entry for this variant (Variation ID: 3042728). Based on the evidence outlined above, the variant was classified as uncertain significance.

PreventionGenetics, part of Exact Sciences
Classification: Likely benign for PIK3R5-related condition. Last evaluated: 2019-06-25. Review status: no assertion criteria provided. Collection method: clinical testing. Allele origin: germline. Not counted in ClinVar's aggregate classification.
Comment: This variant is classified as likely benign based on ACMG/AMP sequence variant interpretation guidelines (Richards et al. 2015 PMID: 25741868, with internal and published modifications).